The following is an entry in ClinVar:

NM_000138.5(FBN1):c.3833G>C (p.Cys1278Ser)

Gene: FBN1 (fibrillin 1; minus strand). Cytogenetic location: 15q21.1.
Variant type: single nucleotide variant.
Coding change: c.3833G>C on transcript NM_000138.5 (MANE Select); coding-DNA position 3833, G replaced by C.
Protein change: p.Cys1278Ser; replaces cysteine 1278 with serine.
Molecular consequence: missense variant.
Genome position (GRCh38, 1-based): chr15:48,483,823, C>G on the plus strand (G>C on the coding strand, the complement: FBN1 is on the minus strand). VCF-style: chr15-48483823-C-G. GRCh37 (hg19) VCF-style: chr15-48776020-C-G.
Other names: c.3833G>C, p.Cys1278Ser (NM_001406716.1); short protein forms C1278S.
Identifiers: ClinVar variation 1735367 (VCV001735367.3), dbSNP rs2505540643, ClinGen allele CA392323555.

ClinVar aggregate classification (germline): Likely pathogenic. Review status: criteria provided, multiple submitters, no conflicts (2 of 4 stars). 2 submissions from 2 submitters: Likely pathogenic (2). Last evaluated 2018-11-29.

Conditions:
Familial thoracic aortic aneurysm and aortic dissection (TAAD). Also called: Thoracic aortic aneurysms and dissections. Identifiers: Orphanet 91387, MedGen C4707243, MONDO:0019625.
Marfan syndrome (MFS). Also called: Marfan's syndrome; Marfan syndrome, classic; MARFAN SYNDROME, TYPE I; Marfan syndrome type 1; FBN1-Related Marfan Syndrome. Identifiers: Orphanet 284963, Orphanet 558, MedGen C0024796, MONDO:0007947, OMIM 154700.

Submissions (2):

Ambry Genetics
Classification: Likely pathogenic for Familial thoracic aortic aneurysm and aortic dissection. Last evaluated: 2018-11-29. Review status: criteria provided, single submitter. Criteria: Ambry Variant Classification Scheme 2023. Collection method: clinical testing. Allele origin: germline.
Comment: The p.C1278S variant (also known as c.3833G>C), located in coding exon 30 of the FBN1 gene, results from a G to C substitution at nucleotide position 3833. The cysteine at codon 1278 is replaced by serine, an amino acid with dissimilar properties, and is located in the cbEGF-like #16 domain. This variant has been reported as occurring de novo in a child with aortic root dilation, mitral valve prolapse, ectopia lentis, and skeletal system involvement (Arbustini E et al. Hum. Mutat., 2005 Nov;26:494), and was also detected in a cohort with suspected Marfan syndrome; however clinical details were limited (Hung CC et al. Ann. Hum. Genet., 2009 Nov;73:559-67). Based on internal structural assessment, this alteration eliminates a structurally critical disulfide in the structurally sensitive cbEGF-like #16 domain. This amino acid position is highly conserved in available vertebrate species. In addition, this alteration is predicted to be deleterious by in silico analysis. Based on the majority of available evidence to date, this variant is likely to be pathogenic.

Laboratory for Molecular Medicine, Mass General Brigham Personalized Medicine
Classification: Likely pathogenic for Marfan syndrome. Last evaluated: 2016-10-07. Review status: criteria provided, single submitter. Criteria: ACMG Guidelines, 2015. Collection method: clinical testing. Allele origin: germline. Inheritance: Autosomal dominant inheritance.
Comment: The p.Cys1278Ser variant in FBN1 has been reported in 2 individuals with clinical features of Marfan Syndrome and occured de novo in one of these individuals (Arbustini 2005, Hung 2009). This variant was absent from large population studies. Computational prediction tools and conservation analysis suggest that this variant may impact the protein, though this information is not predictive enough to determine pathogenicity. In summary, although additional studies are required to fully establish its clinical significance, the p.Cys1278Ser variant is likely pathogenic.

Literature cited by the submitters: PubMed 16222657 (cited by Ambry Genetics and Laboratory for Molecular Medicine, Mass General Brigham Personalized Medicine); PubMed 19839986 (cited by Ambry Genetics and Laboratory for Molecular Medicine, Mass General Brigham Personalized Medicine); PubMed 27906200 (cited by Ambry Genetics).